The following is an entry in ClinVar:

ClinVar aggregate classification (germline): Pathogenic (1 of 4 stars; one submission).

Conditions:
Hereditary breast ovarian cancer syndrome. Also called: BRCA1- and BRCA2-Associated Hereditary Breast and Ovarian Cancer; Hereditary breast and ovarian cancer syndrome (HBOC); Hereditary breast and/or ovarian cancer syndrome; Hereditary breast and ovarian cancer syndrome; Hereditary breast and ovarian cancer; Breast and ovarian cancer. Identifiers: Orphanet 145, MedGen C0677776, MeSH D061325, MONDO:0003582. Disease mechanism: loss of function.

Submission:

Labcorp Genetics (formerly Invitae), Labcorp
Classification: Pathogenic for Hereditary breast ovarian cancer syndrome. Last evaluated: 2015-07-18. Review status: criteria provided, single submitter. Criteria: Invitae Variant Classification Sherloc (09022015). Collection method: clinical testing. Allele origin: germline.
Comment: This sequence change is a gross deletion of the genomic region encompassing exons 22-23 of the BRCA1 gene. This deletion extends to both edges of the assayed region, and the 5' and 3' boundaries of this event are not known. However, it is expected to result in the loss of amino acids Gly1803-Tyr1863 of the BRCA1 protein, including the translational stop codon, thereby truncating a portion of the C-terminal BRCT domain (PMID: 22843421). Deletions encompassing exons 22-23, which in the literature are known as deletions of exons 23-24, have been reported in several individuals and families affected with breast and/or ovarian cancer (PMID: 16715518, 16793929, 17333342, 18431737, 24825132). In one of these families the deletion was shown to segregate with the disease in four affected individuals (PMID: 16793929). For these reasons, this variant has been classified as Pathogenic.

NC_000017.11:g.(?_43045677)_(43047703_?)del

Gene: BRCA1 (BRCA1 DNA repair associated; minus strand). Cytogenetic location: 17q21.31.
Variant type: Deletion.
Other names: c.5407-?_(*1_?)del (LRG_292t1).
Identifiers: ClinVar variation 219561 (VCV000219561.1).